The following is an entry in ClinVar:

ClinVar aggregate classification (germline): Uncertain significance (1 of 4 stars; one submission).

Allele frequency attached by ClinVar (database versions not stated): TOPMed below 0.00001.
gnomAD v4.1: 2 of 1,614,028 alleles (0.00012%); highest among the groups gnomAD compares: Non-Finnish European, 0.000085%; no homozygotes.

Submission:

GeneDx
Classification: Uncertain significance. Last evaluated: 2022-06-20. Review status: criteria provided, single submitter. Criteria: GeneDx Variant Classification Process June 2021. Collection method: clinical testing. Allele origin: germline. Affected: yes.
Comment: Not located in the triple helical region, where the majority of pathogenic missense variants occur (Symoens et al., 2012; HGMD); Not observed at significant frequency in large population cohorts (gnomAD); In silico analysis supports that this missense variant does not alter protein structure/function; Has not been previously published as pathogenic or benign to our knowledge; This variant is associated with the following publications: (PMID: 22696272)

NM_000393.5(COL5A2):c.3691G>A (p.Ala1231Thr)

Gene: COL5A2 (collagen type V alpha 2 chain; minus strand). Cytogenetic location: 2q32.2.
Variant type: single nucleotide variant.
Coding change: c.3691G>A on transcript NM_000393.5 (MANE Select); coding-DNA position 3691, G replaced by A.
Protein change: p.Ala1231Thr; replaces alanine 1231 with threonine.
Molecular consequence: missense variant.
Genome position (GRCh38, 1-based): chr2:189,039,506, C>T on the plus strand (G>A on the coding strand, the complement: COL5A2 is on the minus strand). VCF-style: chr2-189039506-C-T. GRCh37 (hg19) VCF-style: chr2-189904232-C-T.
Other names: short protein forms A1231T.
Identifiers: ClinVar variation 1806712 (VCV001806712.1), dbSNP rs202108565, ClinGen allele CA349858013.